The following is an entry in ClinVar:

NM_020365.5(EIF2B3):c.942C>T (p.Ser314=)

Gene: EIF2B3 (eukaryotic translation initiation factor 2B subunit gamma; minus strand). Cytogenetic location: 1p34.1.
Variant type: single nucleotide variant.
Coding change: c.942C>T on transcript NM_020365.5 (MANE Select); coding-DNA position 942, C replaced by T.
Protein change: p.Ser314=; no amino-acid change (serine 314 retained).
Molecular consequence: synonymous variant.
Genome position (GRCh38, 1-based): chr1:44,879,851, G>A on the plus strand (C>T on the coding strand, the complement: EIF2B3 is on the minus strand). VCF-style: chr1-44879851-G-A. GRCh37 (hg19) VCF-style: chr1-45345523-G-A.
Other names: c.942C>T, p.Ser314= (NM_001166588.3, NM_001261418.2).
Identifiers: ClinVar variation 1956765 (VCV001956765.5), dbSNP rs2522318004, ClinGen allele CA417478053.

ClinVar aggregate classification (germline): Uncertain significance (1 of 4 stars; one submission).

Submission:

Labcorp Genetics (formerly Invitae), Labcorp
Classification: Uncertain significance. Last evaluated: 2022-08-06. Review status: criteria provided, single submitter. Criteria: Invitae Variant Classification Sherloc (09022015). Collection method: clinical testing. Allele origin: germline.
Comment: In summary, the available evidence is currently insufficient to determine the role of this variant in disease. Therefore, it has been classified as a Variant of Uncertain Significance. Algorithms developed to predict the effect of sequence changes on RNA splicing suggest that this variant may disrupt the consensus splice site. This variant has not been reported in the literature in individuals affected with EIF2B3-related conditions. This variant is not present in population databases (gnomAD no frequency). This sequence change affects codon 314 of the EIF2B3 mRNA. It is a 'silent' change, meaning that it does not change the encoded amino acid sequence of the EIF2B3 protein.